The following is an entry in ClinVar:

NM_006612.6(KIF1C):c.311C>T (p.Ser104Phe)

Gene: KIF1C (kinesin family member 1C; plus strand). Cytogenetic location: 17p13.2.
Variant type: single nucleotide variant.
Coding change: c.311C>T on transcript NM_006612.6 (MANE Select); coding-DNA position 311, C replaced by T.
Protein change: p.Ser104Phe; replaces serine 104 with phenylalanine.
Molecular consequence: missense variant.
Genome position (GRCh38, 1-based): chr17:5,001,349, C>T. VCF-style: chr17-5001349-C-T. GRCh37 (hg19) VCF-style: chr17-4904644-C-T.
Other names: short protein forms S104F.
Identifiers: ClinVar variation 1437764 (VCV001437764.5), dbSNP rs572156268, ClinGen allele CA397343626.

ClinVar aggregate classification (germline): Uncertain significance (1 of 4 stars; one submission).

Conditions:
Spastic ataxia 2. Also called: Ataxia, spastic, 2, autosomal recessive. Identifiers: Orphanet 397946, MedGen C1969796, MONDO:0012651, OMIM 611302.

Allele frequency attached by ClinVar (database versions not stated): gnomAD exomes below 0.00001.
gnomAD v4.1: 1 of 1,614,094 alleles (0.000062%); highest among the groups gnomAD compares: Non-Finnish European, 0.000085%; no homozygotes.

Submission:

Labcorp Genetics (formerly Invitae), Labcorp
Classification: Uncertain significance for Spastic ataxia 2. Last evaluated: 2021-09-01. Review status: criteria provided, single submitter. Criteria: Invitae Variant Classification Sherloc (09022015). Collection method: clinical testing. Allele origin: germline.
Comment: This sequence change replaces serine with phenylalanine at codon 104 of the KIF1C protein (p.Ser104Phe). The serine residue is highly conserved and there is a large physicochemical difference between serine and phenylalanine. This variant is not present in population databases (ExAC no frequency). This variant has not been reported in the literature in individuals affected with KIF1C-related conditions. Algorithms developed to predict the effect of missense changes on protein structure and function are either unavailable or do not agree on the potential impact of this missense change (SIFT: "Deleterious"; PolyPhen-2: "Possibly Damaging"; Align-GVGD: "Class C15"). In summary, the available evidence is currently insufficient to determine the role of this variant in disease. Therefore, it has been classified as a Variant of Uncertain Significance.